The following is an entry in ClinVar:

ClinVar aggregate classification (germline): Conflicting classifications of pathogenicity. Review status: criteria provided, conflicting classifications (1 of 4 stars). 4 submissions from 4 submitters: Uncertain significance (3); Benign (1). Last evaluated 2026-01-21.

Conditions:
Arrhythmogenic right ventricular dysplasia 8 (ARVD8). Also called: Arrhythmogenic Right Ventricular Dysplasia/Cardiomyopathy 8; ARRHYTHMOGENIC RIGHT VENTRICULAR DYSPLASIA, FAMILIAL, 8; ARRHYTHMOGENIC RIGHT VENTRICULAR CARDIOMYOPATHY 8. Identifiers: MedGen C1843896, MONDO:0011831, OMIM 607450.
Arrhythmogenic cardiomyopathy with wooly hair and keratoderma. Also called: Arrhythmogenic cardiomyopathy with woolly hair and keratoderma; PALMOPLANTAR KERATODERMA WITH LEFT VENTRICULAR CARDIOMYOPATHY AND WOOLLY HAIR; Carvajal syndrome; Dilated cardiomyopathy with woolly hair and keratoderma. Identifiers: Orphanet 65282, MedGen C1854063, MONDO:0011581, OMIM 605676.
Cardiovascular phenotype. Identifiers: MedGen CN230736.
Cardiomyopathy (CMYO). Also called: Cardiomyopathies. Identifiers: Orphanet 167848, MedGen C0878544, MONDO:0004994, HP:0001638. Inheritance: Various modes of inheritance.

Allele frequency attached by ClinVar (database versions not stated): gnomAD exomes 0.00001 and 0.00002; ExAC 0.00002; TOPMed 0.00003; gnomAD 0.00004.
gnomAD v4.1: 10 of 1,613,990 alleles (0.00062%); highest among the groups gnomAD compares: African/African-American, 0.008%; no homozygotes.

Submissions (4):

Labcorp Genetics (formerly Invitae), Labcorp
Classification: Benign for Arrhythmogenic cardiomyopathy with wooly hair and keratoderma; Arrhythmogenic right ventricular dysplasia 8. Last evaluated: 2026-01-21. Review status: criteria provided, single submitter. Criteria: Invitae Variant Classification Sherloc (09022015). Collection method: clinical testing. Allele origin: germline.

Color Diagnostics, LLC DBA Color Health
Classification: Uncertain significance for Cardiomyopathy. Last evaluated: 2024-03-07. Review status: criteria provided, single submitter. Criteria: ACMG Guidelines, 2015. Collection method: clinical testing. Allele origin: germline.
Comment: This missense variant replaces arginine with glycine at codon 1890 of the DSP protein. Computational prediction suggests that this variant may not impact protein structure and function (internally defined REVEL score threshold <= 0.5, PMID: 27666373). To our knowledge, functional studies have not been reported for this variant. This variant has not been reported in individuals affected with cardiovascular disorders in the literature. This variant has been identified in 5/282626 chromosomes in the general population by the Genome Aggregation Database (gnomAD). The available evidence is insufficient to determine the role of this variant in disease conclusively. Therefore, this variant is classified as a Variant of Uncertain Significance.

Ambry Genetics
Classification: Uncertain significance for Cardiovascular phenotype. Last evaluated: 2023-08-28. Review status: criteria provided, single submitter. Criteria: Ambry Variant Classification Scheme 2023. Collection method: clinical testing. Allele origin: germline.
Comment: The p.R1890G variant (also known as c.5668A>G), located in coding exon 24 of the DSP gene, results from an A to G substitution at nucleotide position 5668. The arginine at codon 1890 is replaced by glycine, an amino acid with dissimilar properties. This amino acid position is highly conserved in available vertebrate species. In addition, the in silico prediction for this alteration is inconclusive. Since supporting evidence is limited at this time, the clinical significance of this alteration remains unclear.

GeneDx
Classification: Uncertain significance. Last evaluated: 2023-05-31. Review status: criteria provided, single submitter. Criteria: GeneDx Variant Classification Process June 2021. Collection method: clinical testing. Allele origin: germline. Affected: yes.
Comment: Not observed at significant frequency in large population cohorts (gnomAD); In silico analysis supports that this missense variant has a deleterious effect on protein structure/function; Has not been previously published as pathogenic or benign to our knowledge

NM_004415.4(DSP):c.5668A>G (p.Arg1890Gly)

Gene: DSP (desmoplakin; plus strand). Cytogenetic location: 6p24.3.
Variant type: single nucleotide variant.
Coding change: c.5668A>G on transcript NM_004415.4 (MANE Select); coding-DNA position 5668, A replaced by G.
Protein change: p.Arg1890Gly; replaces arginine 1890 with glycine.
Molecular consequence: missense variant.
Genome position (GRCh38, 1-based): chr6:7,582,930, A>G. VCF-style: chr6-7582930-A-G. GRCh37 (hg19) VCF-style: chr6-7583163-A-G.
Other names: c.3871A>G, p.Arg1291Gly (NM_001008844.3); c.4339A>G, p.Arg1447Gly (NM_001319034.2); short protein forms R1291G, R1447G, R1890G.
Identifiers: ClinVar variation 839848 (VCV000839848.19), dbSNP rs762079110, ClinGen allele CA045475.